The following is an entry in ClinVar:

NM_000170.3(GLDC):c.959T>C (p.Phe320Ser)

Gene: GLDC (glycine decarboxylase; minus strand). Cytogenetic location: 9p24.1.
Variant type: single nucleotide variant.
Coding change: c.959T>C on transcript NM_000170.3 (MANE Select); coding-DNA position 959, T replaced by C.
Protein change: p.Phe320Ser; replaces phenylalanine 320 with serine.
Molecular consequence: missense variant.
Genome position (GRCh38, 1-based): chr9:6,604,687, A>G on the plus strand (T>C on the coding strand, the complement: GLDC is on the minus strand). VCF-style: chr9-6604687-A-G. GRCh37 (hg19) VCF-style: chr9-6604687-A-G.
Other names: short protein forms F320S.
Identifiers: ClinVar variation 1021293 (VCV001021293.9), dbSNP rs773173613, ClinGen allele CA372895651.

ClinVar aggregate classification (germline): Uncertain significance (1 of 4 stars; one submission).

Conditions:
Glycine encephalopathy. Also called: Nonketotic hyperglycinemia; Non-ketotic hyperglycinemia. Identifiers: Orphanet 407, MedGen C0751748, MONDO:0011612, HP:0008288.

Submission:

Labcorp Genetics (formerly Invitae), Labcorp
Classification: Uncertain significance for Glycine encephalopathy. Last evaluated: 2020-08-05. Review status: criteria provided, single submitter. Criteria: Invitae Variant Classification Sherloc (09022015). Collection method: clinical testing. Allele origin: germline.
Comment: In summary, the available evidence is currently insufficient to determine the role of this variant in disease. Therefore, it has been classified as a Variant of Uncertain Significance. Advanced modeling of protein sequence and biophysical properties (such as structural, functional, and spatial information, amino acid conservation, physicochemical variation, residue mobility, and thermodynamic stability) performed at Invitae indicates that this missense variant is expected to disrupt GLDC protein function. This variant has not been reported in the literature in individuals with GLDC-related conditions. This variant is not present in population databases (ExAC no frequency). This sequence change replaces phenylalanine with serine at codon 320 of the GLDC protein (p.Phe320Ser). The phenylalanine residue is moderately conserved and there is a large physicochemical difference between phenylalanine and serine.